The following is an entry in ClinVar:

ClinVar aggregate classification (germline): Likely benign. Review status: criteria provided, multiple submitters, no conflicts (2 of 4 stars). 3 submissions from 3 submitters: Likely benign (3). Last evaluated 2025-04-09.

Conditions:
Nephronophthisis 15 (NPHP15). Identifiers: Orphanet 3156, MedGen C3541853, MONDO:0013917, OMIM 614845.
CEP164-related disorder. Also called: CEP164-related condition.

Allele frequency attached by ClinVar (database versions not stated): gnomAD exomes 0.00001 and 0.00004; gnomAD 0.00003 and 0.00004; TOPMed 0.00003.
gnomAD v4.1: 69 of 1,613,998 alleles (0.0043%); highest among the groups gnomAD compares: Non-Finnish European, 0.0053%; no homozygotes.

Submissions (3):

Labcorp Genetics (formerly Invitae), Labcorp
Classification: Likely benign for Nephronophthisis 15. Last evaluated: 2025-04-09. Review status: criteria provided, single submitter. Criteria: Invitae Variant Classification Sherloc (09022015). Collection method: clinical testing. Allele origin: germline.

PreventionGenetics, part of Exact Sciences
Classification: Likely benign for CEP164-related condition. Last evaluated: 2024-12-12. Review status: criteria provided, single submitter. Criteria: ACMG Guidelines, 2015. Collection method: clinical testing. Allele origin: germline.
Comment: This variant is classified as likely benign based on ACMG/AMP sequence variant interpretation guidelines (Richards et al. 2015 PMID: 25741868, with internal and published modifications).

Blueprint Genetics
Classification: Likely benign. Last evaluated: 2022-04-08. Review status: criteria provided, single submitter. Criteria: ACMG Guidelines, 2015. Collection method: clinical testing. Allele origin: germline.

NM_014956.5(CEP164):c.2086C>T (p.Leu696=)

Gene: CEP164 (centrosomal protein 164; plus strand). Cytogenetic location: 11q23.3.
Variant type: single nucleotide variant.
Coding change: c.2086C>T on transcript NM_014956.5 (MANE Select); coding-DNA position 2086, C replaced by T.
Protein change: p.Leu696=; no amino-acid change (leucine 696 retained).
Molecular consequence: synonymous variant.
Genome position (GRCh38, 1-based): chr11:117,391,018, C>T. VCF-style: chr11-117391018-C-T. GRCh37 (hg19) VCF-style: chr11-117261734-C-T.
Other names: c.2086C>T (NM_014956.4); c.2095C>T, p.Leu699= (NM_001271933.2).
Identifiers: ClinVar variation 1125359 (VCV001125359.11), dbSNP rs934960506, ClinGen allele CA229357335.
Genomic context (GRCh38, chr11:117,391,018, plus strand): 5'-AGGGTGCACAGGCCCGTTACCATTCCACTGTGTCCACCCAGGGCTGAGCAAGAGGCTTCC[C>T]TGCAGAAACTGAGAGAAGAGTTGGAGTCTCAACAGAAGGCTGAGAGGGCCAGCTTGGAAC-3'
Protein context (NP_055771.4, residues 686-706): DQIRAEQEAS[Leu696=]QKLREELESQ